The following is an entry in ClinVar:

ClinVar aggregate classification (germline): Uncertain significance (1 of 4 stars; one submission).

Conditions:
Werner syndrome (WRN). Identifiers: Orphanet 902, MedGen C0043119, MONDO:0010196, OMIM 277700.

Allele frequency attached by ClinVar (database versions not stated): gnomAD exomes below 0.00001; TOPMed below 0.00001.
gnomAD v4.1: 1 of 1,613,986 alleles (0.000062%); highest among the groups gnomAD compares: Non-Finnish European, 0.000085%; no homozygotes.

Submission:

Labcorp Genetics (formerly Invitae), Labcorp
Classification: Uncertain significance for Werner syndrome. Last evaluated: 2022-02-24. Review status: criteria provided, single submitter. Criteria: Invitae Variant Classification Sherloc (09022015). Collection method: clinical testing. Allele origin: germline.
Comment: In summary, the available evidence is currently insufficient to determine the role of this variant in disease. Therefore, it has been classified as a Variant of Uncertain Significance. Algorithms developed to predict the effect of missense changes on protein structure and function output the following: SIFT: "Not Available"; PolyPhen-2: "Benign"; Align-GVGD: "Not Available". The isoleucine amino acid residue is found in multiple mammalian species, which suggests that this missense change does not adversely affect protein function. This variant has not been reported in the literature in individuals affected with WRN-related conditions. This variant is not present in population databases (gnomAD no frequency). This sequence change replaces valine, which is neutral and non-polar, with isoleucine, which is neutral and non-polar, at codon 328 of the WRN protein (p.Val328Ile).

NM_000553.6(WRN):c.982G>A (p.Val328Ile)

Gene: WRN (WRN RecQ like helicase; plus strand). Cytogenetic location: 8p12.
Variant type: single nucleotide variant.
Coding change: c.982G>A on transcript NM_000553.6 (MANE Select); coding-DNA position 982, G replaced by A.
Protein change: p.Val328Ile; replaces valine 328 with isoleucine.
Molecular consequence: missense variant.
Genome position (GRCh38, 1-based): chr8:31,081,009, G>A. VCF-style: chr8-31081009-G-A. GRCh37 (hg19) VCF-style: chr8-30938525-G-A.
Other names: short protein forms V328I.
Identifiers: ClinVar variation 1373835 (VCV001373835.6), dbSNP rs1813284266, ClinGen allele CA370920108.
Genomic context (GRCh38, chr8:31,081,009, plus strand): 5'-GAACTGAGGCCCAGCAATAATTTAAACTTATTATCCTTTGAAGATTCAACTACTGGGGGA[G>A]TACAACAGAAACAAATTAGAGAACATGAAGTTTTAATTCACGTTGAAGATGAAACATGGG-3'
Protein context (NP_000544.2, residues 318-338): LSFEDSTTGG[Val328Ile]QQKQIREHEV